The following is an entry in ClinVar:

NM_001378454.1(ALMS1):c.1816G>T (p.Gly606Ter)

Gene: ALMS1 (ALMS1 centrosome and basal body associated protein; plus strand). Cytogenetic location: 2p13.1.
Variant type: single nucleotide variant.
Coding change: c.1816G>T on transcript NM_001378454.1 (MANE Select); coding-DNA position 1816, G replaced by T.
Protein change: p.Gly606Ter; replaces glycine 606 with a stop codon.
Molecular consequence: nonsense.
Genome position (GRCh38, 1-based): chr2:73,448,343, G>T. VCF-style: chr2-73448343-G-T. GRCh37 (hg19) VCF-style: chr2-73675470-G-T.
Other names: c.1819G>T, p.Gly607Ter (NM_015120.4); short protein forms G607*, G606*.
Identifiers: ClinVar variation 459853 (VCV000459853.6), dbSNP rs1553403321, ClinGen allele CA347265496.
Genomic context (GRCh38, chr2:73,448,343, plus strand): 5'-CAGCAGGGCTTGCCAGACAGTCATCTAACTGAAGAGGCTTTGAAAGTTTCAGCTGCTCCT[G>T]GACTAGCTGACCAGACAACTGGCATGTCAACTCTAACCTCTACTTCCTACTCACATAGAG-3'

ClinVar aggregate classification (germline): Pathogenic (1 of 4 stars; one submission).

Conditions:
Alstrom syndrome (ALMS). Identifiers: Orphanet 64, MedGen C0268425, MONDO:0008763, OMIM 203800.

Submission:

Labcorp Genetics (formerly Invitae), Labcorp
Classification: Pathogenic for Alstrom syndrome. Last evaluated: 2022-06-13. Review status: criteria provided, single submitter. Criteria: Invitae Variant Classification Sherloc (09022015). Collection method: clinical testing. Allele origin: germline.
Comment: For these reasons, this variant has been classified as Pathogenic. ClinVar contains an entry for this variant (Variation ID: 459853). This variant has not been reported in the literature in individuals affected with ALMS1-related conditions. This variant is not present in population databases (gnomAD no frequency). This sequence change creates a premature translational stop signal (p.Gly607*) in the ALMS1 gene. It is expected to result in an absent or disrupted protein product. Loss-of-function variants in ALMS1 are known to be pathogenic (PMID: 17594715).

Literature cited by the submitters: PubMed 17594715.